The following is an entry in ClinVar:

ClinVar aggregate classification (germline): Likely benign (1 of 4 stars; one submission).

gnomAD v4.1: 31 of 1,612,626 alleles (0.0019%); highest among the groups gnomAD compares: East Asian, 0.069%; no homozygotes.

Submission:

CeGaT Center for Human Genetics Tuebingen
Classification: Likely benign. Last evaluated: 2026-05-01. Review status: criteria provided, single submitter. Criteria: CeGaT Center For Human Genetics Tuebingen Variant Classification Criteria Version 2. Collection method: clinical testing. Allele origin: germline. Affected: yes. Observed: 1 variant allele.
Comment: CACNA1G: BP4

NM_018896.5(CACNA1G):c.7054A>G (p.Met2352Val)

Gene: CACNA1G (calcium voltage-gated channel subunit alpha1 G; plus strand). Cytogenetic location: 17q21.33.
Variant type: single nucleotide variant.
Coding change: c.7054A>G on transcript NM_018896.5 (MANE Select); coding-DNA position 7054, A replaced by G.
Protein change: p.Met2352Val; replaces methionine 2352 with valine.
Molecular consequence: missense variant. On other transcripts: non-coding transcript variant (5).
Genome position (GRCh38, 1-based): chr17:50,626,671, A>G. VCF-style: chr17-50626671-A-G. GRCh37 (hg19) VCF-style: chr17-48704032-A-G.
Other names: c.6865A>G, p.Met2289Val (NM_001256324.2); c.6796A>G, p.Met2266Val (NM_001256325.2); c.6784A>G, p.Met2262Val (NM_001256326.2); c.6754A>G, p.Met2252Val (NM_001256327.2); c.6700A>G, p.Met2234Val (NM_001256328.2); c.6673A>G, p.Met2225Val (NM_001256329.2, NM_198387.3); c.6640A>G, p.Met2214Val (NM_001256330.2); c.6619A>G, p.Met2207Val (NM_001256331.2); and 18 more; short protein forms M2146V, M2169V, M2180V, M2202V, M2207V, M2214V, M2218V, M2221V.
Identifiers: ClinVar variation 4874131 (VCV004874131.2).
Genomic context (GRCh38, chr17:50,626,671, plus strand): 5'-CGGAGGAGGGCTCCGTCCAGCGACTCCAAGGATCCCTTGGCCTCTGGCCCCCCTGACAGC[A>G]TGGCTGCCTCGCCCTCCCCAAAGAAAGATGTGCTGAGTCTCTCCGGTTTATCCTCTGACC-3'
Protein context (NP_061496.2, residues 2342-2362): DPLASGPPDS[Met2352Val]AASPSPKKDV